The following is an entry in ClinVar:

ClinVar aggregate classification (germline): Likely pathogenic (1 of 4 stars; one submission).

Conditions:
Angelman syndrome (AS). Also called: HAPPY PUPPET SYNDROME. Identifiers: Orphanet 72, MedGen C0162635, MONDO:0007113, OMIM 105830. Disease mechanism: loss of function. Inheritance: AS is caused by disruption of maternally imprinted UBE3A located within the 15q11.2-q13 Angelman syndrome/Prader-Willi syndrome (AS/PWS) region., imprinting disorder.

Submission:

Neuberg Centre For Genomic Medicine, NCGM
Classification: Likely pathogenic for Angelman syndrome. Last evaluated: 2023-05-20. Review status: criteria provided, single submitter. Criteria: ACMG Guidelines, 2015. Collection method: clinical testing. Allele origin: germline. Inheritance: Autosomal dominant inheritance. Affected: yes.
Comment: The observed frameshift variant c.278_282del(p.Tyr93Ter) in UBE3A gene has not been reported previously as a pathogenic variant nor as a benign variant, to our knowledge. The c.278_282del variant is absent in gnomAD Exomes. This variant is predicted to cause loss of normal protein function through protein truncation. Loss of function variants have been previously reported to be disease causing (Sadikovic B, et al., 2014). For these reasons, this variant has been classified as Likely Pathogenic

NM_130839.5(UBE3A):c.278_282del (p.Ala92_Tyr93insTer)

Genes: SNHG14 (small nucleolar RNA host gene 14; plus strand), UBE3A (ubiquitin protein ligase E3A; minus strand). Cytogenetic location: 15q11.2.
Variant type: Deletion.
Coding change: c.278_282del on transcript NM_130839.5 (MANE Select); coding-DNA positions 278 to 282, 5 bases deleted (ACCTT; older notation c.278_282delACCTT).
Protein change: p.Ala92_Tyr93insTer.
Molecular consequence: nonsense. On other transcripts: non-coding transcript variant (1).
Genome position (GRCh38, 1-based): chr15:25,375,544-25,375,548, AAGGT deleted on the plus strand (ACCTT on the coding strand, the reverse complement: UBE3A is on the minus strand); deleting any 5 consecutive bases within chr15:25,375,544-25,375,551 gives the same sequence; the c. name uses the placement nearest the transcript's 3' end. VCF-style (leftmost placement, unchanged base first): chr15-25375543-CAAGGT-C. GRCh37 (hg19) VCF-style: chr15-25620690-CAAGGT-C.
Other names: c.287_291del, p.Ala95_Tyr96insTer (NM_000462.5); c.278_282del, p.Ala92_Tyr93insTer (NM_001354505.1, NM_001354538.2, NM_001354545.2 and 1 more transcripts); c.218_222del, p.Ala72_Tyr73insTer (NM_001354506.2, NM_001354507.2, NM_001354508.2 and 18 more transcripts); c.101_105del, p.Ala33_Tyr34insTer (NM_001354546.2).
Identifiers: ClinVar variation 3341296 (VCV003341296.1).